The following is an entry in ClinVar:

ClinVar aggregate classification (germline): Benign/Likely benign. Review status: criteria provided, multiple submitters, no conflicts (2 of 4 stars). 4 submissions from 4 submitters: Benign (2); Likely benign (2). Last evaluated 2026-01-31.

Allele frequency attached by ClinVar (database versions not stated): gnomAD 0.00817 and 0.00822; ExAC 0.00821; gnomAD exomes 0.00814 and 0.01010; 1000 Genomes Project 30x 0.00468; TOPMed 0.00778; ESP Exome Variant Server 0.01023; 1000 Genomes Project 0.00479.
gnomAD v4.1: 15,982 of 1,614,074 alleles (0.99%); highest among the groups gnomAD compares: Middle Eastern, 1.8%; 112 homozygotes.

Submissions (4):

Labcorp Genetics (formerly Invitae), Labcorp
Classification: Benign. Last evaluated: 2026-01-31. Review status: criteria provided, single submitter. Criteria: Invitae Variant Classification Sherloc (09022015). Collection method: clinical testing. Allele origin: germline.

Mayo Clinic Laboratories, Mayo Clinic
Classification: Benign. Last evaluated: 2024-07-24. Review status: criteria provided, single submitter. Criteria: ACMG Guidelines, 2015. Collection method: clinical testing. Allele origin: germline. Observed: 3 variant alleles.
Comment: BS1, BS2, BP4

GeneDx
Classification: Likely benign. Last evaluated: 2023-04-06. Review status: criteria provided, single submitter. Criteria: GeneDx Variant Classification Process June 2021. Collection method: clinical testing. Allele origin: germline. Affected: yes.
Comment: See Variant Classification Assertion Criteria.

Breakthrough Genomics
Classification: Likely benign. Review status: criteria provided, single submitter. Criteria: ACMG Guidelines, 2015. Collection method: not provided. Allele origin: germline. Inheritance: Autosomal dominant inheritance. Affected: yes.

Literature cited by the submitters: PubMed 21763483 (cited by Mayo Clinic Laboratories, Mayo Clinic).

NM_018417.6(ADCY10):c.4313A>G (p.Asn1438Ser)

Gene: ADCY10 (adenylate cyclase 10; minus strand). Cytogenetic location: 1q24.2.
Variant type: single nucleotide variant.
Coding change: c.4313A>G on transcript NM_018417.6 (MANE Select); coding-DNA position 4313, A replaced by G.
Protein change: p.Asn1438Ser; replaces asparagine 1438 with serine.
Molecular consequence: missense variant.
Genome position (GRCh38, 1-based): chr1:167,818,241, T>C on the plus strand (A>G on the coding strand, the complement: ADCY10 is on the minus strand). VCF-style: chr1-167818241-T-C. GRCh37 (hg19) VCF-style: chr1-167787479-T-C.
Other names: p.Asn1438Ser; c.3854A>G, p.Asn1285Ser (NM_001167749.3); c.4037A>G, p.Asn1346Ser (NM_001297772.2); short protein forms N1285S, N1438S, N1346S.
Identifiers: ClinVar variation 769248 (VCV000769248.14), dbSNP rs41270737, ClinGen allele CA1227053.